The following is an entry in ClinVar:

NM_000257.4(MYH7):c.5173_5175del (p.Asn1725del)

Genes: MYH7 (myosin heavy chain 7; minus strand), MHRT (myosin heavy chain associated RNA transcript; plus strand), LOC126861897 (BRD4-independent group 4 enhancer GRCh37_chr14:23884455-23885654; plus strand). Cytogenetic location: 14q11.2.
Variant type: Deletion.
Coding change: c.5173_5175del on transcript NM_000257.4 (MANE Select); coding-DNA positions 5173 to 5175, 3 bases deleted (AAC; older notation c.5173_5175delAAC).
Protein change: p.Asn1725del; deletes asparagine 1725.
Molecular consequence: inframe deletion. On other transcripts: non-coding transcript variant (1), inframe indel (1).
Genome position (GRCh38, 1-based): chr14:23,415,489-23,415,491, GTT deleted on the plus strand (AAC on the coding strand, the reverse complement: MYH7 is on the minus strand); deleting any 3 consecutive bases within chr14:23,415,489-23,415,492 gives the same sequence; the c. name uses the placement nearest the transcript's 3' end. VCF-style (leftmost placement, unchanged base first): chr14-23415488-GGTT-G. GRCh37 (hg19) VCF-style: chr14-23884697-GGTT-G.
Other names: c.5172_5174delCAA, p.Asn1725del (NM_001407004.1); short protein forms N1725del.
Identifiers: ClinVar variation 2429370 (VCV002429370.4), dbSNP rs2502241298, ClinGen allele CA2580087935.

ClinVar aggregate classification (germline): Uncertain significance (1 of 4 stars; one submission).

Conditions:
Myosin storage myopathy (CMYO7A). Also called: MYOPATHY, HYALINE BODY, AUTOSOMAL DOMINANT; MYH7-related late-onset scapuloperoneal muscular dystrophy; Congenital myopathy 7A, myosin storage, autosomal dominant; Scapuloperoneal myopathy, MYH7-related; MYOPATHY WITH LYSIS OF TYPE I MYOFIBRILS; SCAPULOPERONEAL MUSCULAR DYSTROPHY. Identifiers: Orphanet 437572, Orphanet 636965, MedGen C1842160, MONDO:0008409, OMIM 608358.

Submission:

Diagnostics Services (NGS), CSIR - Centre For Cellular And Molecular Biology
Classification: Uncertain significance for Myosin storage myopathy. Last evaluated: 2023-02-02. Review status: criteria provided, single submitter. Criteria: ACMG Guidelines, 2015. Collection method: clinical testing. Allele origin: unknown. Affected: yes. Observed: 1 variant allele, 1 heterozygote.
Comment: The c.5173_5175del variant is not present in publicly available population databases like 1000 Genomes, EVS, ExAC, gnomAD, Indian Exome Database or our in-house exome database. This variant has neither been published in the literature nor reported to clinical databases like ClinVar, Human Gene Mutation Database (HGMD) or OMIM, in any affected individuals. In-silico pathogenicity prediction programs like MutationTaster2, CADD etc predicted this variant to be likely deleterious, however these predictions were not confirmed by published functional studies. The variant is not located in a repetitive region and causes in-frame deletion that results in deletion of a single amino acid. The variant is located in a mutational hotspot region.